The following is an entry in ClinVar:

NM_002529.4(NTRK1):c.1802T>G (p.Leu601Arg)

Gene: NTRK1 (neurotrophic receptor tyrosine kinase 1; plus strand). Cytogenetic location: 1q23.1.
Variant type: single nucleotide variant.
Coding change: c.1802T>G on transcript NM_002529.4 (MANE Select); coding-DNA position 1802, T replaced by G.
Protein change: p.Leu601Arg; replaces leucine 601 with arginine.
Molecular consequence: missense variant.
Genome position (GRCh38, 1-based): chr1:156,876,569, T>G. VCF-style: chr1-156876569-T-G. GRCh37 (hg19) VCF-style: chr1-156846361-T-G.
Other names: c.1694T>G, p.Leu565Arg (NM_001007792.1); c.1784T>G, p.Leu595Arg (NM_001012331.2); short protein forms L565R, L595R, L601R.
Identifiers: ClinVar variation 4814511 (VCV004814511.1).

ClinVar aggregate classification (germline): Pathogenic (1 of 4 stars; one submission).

Conditions:
Hereditary insensitivity to pain with anhidrosis (CIPA). Also called: INSENSITIVITY TO PAIN, CONGENITAL, WITH ANHIDROSIS; hereditary sensory and autonomic neuropathy type 4; FAMILIAL DYSAUTONOMIA, TYPE II; NEUROPATHY, CONGENITAL SENSORY, WITH ANHIDROSIS; NTRK1 Congenital Insensitivity to Pain with Anhidrosis; HSAN Type IV. Identifiers: Orphanet 642, MedGen C0020074, MONDO:0009746, OMIM 256800.

Submission:

Natera, Inc.
Classification: Pathogenic for Hereditary insensitivity to pain with anhidrosis. Last evaluated: 2024-10-03. Review status: criteria provided, single submitter. Criteria: Natera Variant Classification Schema (03/2026). Collection method: clinical testing. Allele origin: germline.
Comment: The c.1784T>G variant in NTRK1 is a missense variant predicted to cause substitution of leucine to arginine at amino acid 595. This variant is rare in the general population with a frequency below the threshold expected for the associated phenotype(s). This variant has been observed in one or more individuals affected with the associated recessive disease, as either homozygous or compound heterozygous with a second variant (PMID: 30774415, 27265460, 29770739). Functional studies show that this variant may disrupt protein function (PMID: 32219930). Computational prediction algorithms indicate this variant is likely to affect gene or protein function. Given the available evidence, this variant is classified as Pathogenic.

Literature cited by the submitters: PubMed 30774415; PubMed 27265460; PubMed 29770739; PubMed 32219930.